The following is an entry in ClinVar:

ClinVar aggregate classification (germline): Uncertain significance. Review status: criteria provided, multiple submitters, no conflicts (2 of 4 stars). 3 submissions from 3 submitters: Uncertain significance (3). Last evaluated 2024-03-01.

Conditions:
Congenital myasthenic syndrome 10. Also called: Myasthenia, limb-girdle, familial. Identifiers: Orphanet 590, MedGen C1850792, MONDO:0009690, OMIM 254300.
Fetal akinesia deformation sequence 1 (FADS1). Also called: Fetal akinesia sequence; Pena-Shokeir syndrome type I. Identifiers: Orphanet 994, MedGen C1276035, MONDO:0100101, OMIM 208150, HP:0001989.
Inborn genetic diseases. Identifiers: MedGen C0950123, MeSH D030342.

Allele frequency attached by ClinVar (database versions not stated): gnomAD 0.00001; gnomAD exomes 0.00002; TOPMed 0.00009.
gnomAD v4.1: 31 of 1,573,742 alleles (0.002%); highest among the groups gnomAD compares: Admixed American, 0.016%; no homozygotes.

Submissions (3):

Ambry Genetics
Classification: Uncertain significance for Inborn genetic diseases. Last evaluated: 2024-03-01. Review status: criteria provided, single submitter. Criteria: Ambry Variant Classification Scheme 2023. Collection method: clinical testing. Allele origin: germline.

Labcorp Genetics (formerly Invitae), Labcorp
Classification: Uncertain significance for Congenital myasthenic syndrome 10; Fetal akinesia deformation sequence 1. Last evaluated: 2022-10-13. Review status: criteria provided, single submitter. Criteria: Invitae Variant Classification Sherloc (09022015). Collection method: clinical testing. Allele origin: germline.
Comment: This sequence change replaces serine, which is neutral and polar, with glycine, which is neutral and non-polar, at codon 256 of the DOK7 protein (p.Ser256Gly). This variant is present in population databases (rs750004938, gnomAD 0.004%). This variant has not been reported in the literature in individuals affected with DOK7-related conditions. ClinVar contains an entry for this variant (Variation ID: 1361308). Algorithms developed to predict the effect of missense changes on protein structure and function (SIFT, PolyPhen-2, Align-GVGD) all suggest that this variant is likely to be tolerated. In summary, the available evidence is currently insufficient to determine the role of this variant in disease. Therefore, it has been classified as a Variant of Uncertain Significance.

Revvity Omics, Revvity
Classification: Uncertain significance. Last evaluated: 2019-06-25. Review status: criteria provided, single submitter. Criteria: ACMG Guidelines, 2015. Collection method: clinical testing. Allele origin: germline.

NM_173660.5(DOK7):c.766A>G (p.Ser256Gly)

Genes: DOK7 (docking protein 7; plus strand), LOC129992118 (ATAC-STARR-seq lymphoblastoid silent region 15206; plus strand). Cytogenetic location: 4p16.3.
Variant type: single nucleotide variant.
Coding change: c.766A>G on transcript NM_173660.5 (MANE Select); coding-DNA position 766, A replaced by G.
Protein change: p.Ser256Gly; replaces serine 256 with glycine.
Molecular consequence: missense variant. On other transcripts: 5 prime UTR variant (1).
Genome position (GRCh38, 1-based): chr4:3,489,790, A>G. VCF-style: chr4-3489790-A-G. GRCh37 (hg19) VCF-style: chr4-3491517-A-G.
Other names: c.755A>G, p.Gln252Arg (NM_001164673.2); c.-165A>G (NM_001256896.2); c.766A>G, p.Ser256Gly (NM_001301071.2); c.334A>G, p.Ser112Gly (NM_001363811.2); c.766A>G (NM_173660.4); short protein forms Q252R, S256G, S112G.
Identifiers: ClinVar variation 1361308 (VCV001361308.6), dbSNP rs750004938, ClinGen allele CA2829177.